The following is an entry in ClinVar:

ClinVar aggregate classification (germline): Uncertain significance (1 of 4 stars; one submission).

Submission:

GeneDx
Classification: Uncertain significance. Last evaluated: 2023-07-19. Review status: criteria provided, single submitter. Criteria: GeneDx Variant Classification Process June 2021. Collection method: clinical testing. Allele origin: germline. Affected: yes.
Comment: Not observed at significant frequency in large population cohorts (gnomAD); In silico analysis supports that this missense variant has a deleterious effect on protein structure/function; Has not been previously published as pathogenic or benign to our knowledge

NM_006015.6(ARID1A):c.3304G>A (p.Ala1102Thr)

Gene: ARID1A (AT-rich interaction domain 1A; plus strand). Cytogenetic location: 1p36.11.
Variant type: single nucleotide variant.
Coding change: c.3304G>A on transcript NM_006015.6 (MANE Select); coding-DNA position 3304, G replaced by A.
Protein change: p.Ala1102Thr; replaces alanine 1102 with threonine.
Molecular consequence: missense variant.
Genome position (GRCh38, 1-based): chr1:26,771,224, G>A. VCF-style: chr1-26771224-G-A. GRCh37 (hg19) VCF-style: chr1-27097715-G-A.
Other names: c.3304G>A, p.Ala1102Thr (NM_139135.4); short protein forms A1102T.
Identifiers: ClinVar variation 3361187 (VCV003361187.1).
Genomic context (GRCh38, chr1:26,771,224, plus strand): 5'-GTGGGCACATCAAGCAGTGCTGCCAGCTCCTTGAAAAAGCAGTATATCCAGTGTCTCTAT[G>A]CCTTTGAATGCAAGATTGAACGGGGAGAAGACCCTCCCCCAGACATCTTTGCAGCTGCTG-3'
Protein context (NP_006006.3, residues 1092-1112): LKKQYIQCLY[Ala1102Thr]FECKIERGED